The following is an entry in ClinVar:

NM_015259.6(ICOSLG):c.862+4G>A

Gene: ICOSLG (inducible T cell costimulator ligand; minus strand). Cytogenetic location: 21q22.3.
Variant type: single nucleotide variant.
Coding change: c.862+4G>A on transcript NM_015259.6 (MANE Select); 4 bases into the intron after coding-DNA position 862, G replaced by A.
Molecular consequence: intron variant.
Genome position (GRCh38, 1-based): chr21:44,231,276, C>T on the plus strand (G>A on the coding strand, the complement: ICOSLG is on the minus strand). VCF-style: chr21-44231276-C-T. GRCh37 (hg19) VCF-style: chr21-45651159-C-T.
Other names: c.511+4G>A (NM_001283051.2); c.607+4G>A (NM_001283052.2); c.862+4G>A (NM_001283050.2, NM_001395918.1); c.781+4G>A (NM_001365759.2).
Identifiers: ClinVar variation 2578915 (VCV002578915.28), dbSNP rs376840764, ClinGen allele CA321495705.
Genomic context (GRCh38, chr21:44,231,276, plus strand): 5'-AAGCAGGCAAACATTCACACCAACAGGACAAACACTAACATCCACAATATGGGGCCGTCT[C>T]TACCTGCATAGCTGTGTTGGAGGCATCGGTCCCTGCACACCCAGCCTATGGCCACCGCCA-3'

ClinVar aggregate classification (germline): Conflicting classifications of pathogenicity. Review status: criteria provided, conflicting classifications (1 of 4 stars). 2 submissions from 2 submitters: Uncertain significance (1); Likely benign (1). Last evaluated 2024-05-15.

Allele frequency attached by ClinVar (database versions not stated): ExAC 0.00002; ESP Exome Variant Server 0.00008.

Submissions (2):

Labcorp Genetics (formerly Invitae), Labcorp
Classification: Uncertain significance. Last evaluated: 2024-05-15. Review status: criteria provided, single submitter. Criteria: Invitae Variant Classification Sherloc (09022015). Collection method: clinical testing. Allele origin: germline.
Comment: This sequence change falls in intron 5 of the ICOSLG gene. It does not directly change the encoded amino acid sequence of the ICOSLG protein. It affects a nucleotide within the consensus splice site. This variant is present in population databases (rs376840764, gnomAD 0.004%). This variant has not been reported in the literature in individuals affected with ICOSLG-related conditions. ClinVar contains an entry for this variant (Variation ID: 2578915). Variants that disrupt the consensus splice site are a relatively common cause of aberrant splicing (PMID: 17576681, 9536098). Algorithms developed to predict the effect of sequence changes on RNA splicing suggest that this variant is not likely to affect RNA splicing. In summary, the available evidence is currently insufficient to determine the role of this variant in disease. Therefore, it has been classified as a Variant of Uncertain Significance.

CeGaT Center for Human Genetics Tuebingen
Classification: Likely benign. Last evaluated: 2023-08-01. Review status: criteria provided, single submitter. Criteria: CeGaT Center For Human Genetics Tuebingen Variant Classification Criteria Version 2. Collection method: clinical testing. Allele origin: germline. Affected: yes. Observed: 1 variant allele.
Comment: ICOSLG: BP4

Literature cited by the submitters: PubMed 17576681 (cited by Labcorp Genetics (formerly Invitae), Labcorp); PubMed 9536098 (cited by Labcorp Genetics (formerly Invitae), Labcorp).